The following is an entry in ClinVar:

ClinVar aggregate classification (germline): Uncertain significance (1 of 4 stars; one submission).

Submission:

GeneDx
Classification: Uncertain significance. Last evaluated: 2026-06-26. Review status: criteria provided, single submitter. Criteria: GeneDx Variant Classification Process June 2021. Collection method: clinical testing. Allele origin: germline.
Comment: Not observed at significant frequency in large population cohorts (gnomAD); In silico analysis suggests that this missense variant does not alter protein structure/function; Has not been previously published as pathogenic or benign to our knowledge

NM_004859.4(CLTC):c.1983A>T (p.Glu661Asp)

Gene: CLTC (clathrin heavy chain; plus strand). Cytogenetic location: 17q23.1.
Variant type: single nucleotide variant.
Coding change: c.1983A>T on transcript NM_004859.4 (MANE Select); coding-DNA position 1983, A replaced by T.
Protein change: p.Glu661Asp; replaces glutamic acid 661 with aspartic acid.
Molecular consequence: missense variant.
Genome position (GRCh38, 1-based): chr17:59,666,832, A>T. VCF-style: chr17-59666832-A-T. GRCh37 (hg19) VCF-style: chr17-57744193-A-T.
Other names: c.1995A>T, p.Glu665Asp (NM_001288653.2); short protein forms E661D, E665D.
Identifiers: ClinVar variation 3774754 (VCV003774754.2).